The following is an entry in ClinVar:

ClinVar aggregate classification (germline): Uncertain significance. Review status: criteria provided, single submitter (1 of 4 stars). 2 submissions from 2 submitters: Uncertain significance (1). 1 of the submissions does not count toward it. Last evaluated 2024-03-01.

Conditions:
PKHD1-related disorder. Also called: PKHD1-related condition.
Inborn genetic diseases. Identifiers: MedGen C0950123, MeSH D030342.

Allele frequency attached by ClinVar (database versions not stated): TOPMed 0.00001.

Submissions (2):

Ambry Genetics
Classification: Uncertain significance for Inborn genetic diseases. Last evaluated: 2024-03-01. Review status: criteria provided, single submitter. Criteria: Ambry Variant Classification Scheme 2023. Collection method: clinical testing. Allele origin: germline.

PreventionGenetics, part of Exact Sciences
Classification: Uncertain significance for PKHD1-related condition. Last evaluated: 2024-02-14. Review status: no assertion criteria provided. Collection method: clinical testing. Allele origin: germline. Not counted in ClinVar's aggregate classification.
Comment: The PKHD1 c.10789T>C variant is predicted to result in the amino acid substitution p.Phe3597Leu. To our knowledge, this variant has not been reported in the literature or in a large population database, indicating this variant is rare. At this time, the clinical significance of this variant is uncertain due to the absence of conclusive functional and genetic evidence.

NM_138694.4(PKHD1):c.10789T>C (p.Phe3597Leu)

Gene: PKHD1 (PKHD1 ciliary IPT domain containing fibrocystin/polyductin; minus strand). Cytogenetic location: 6p12.3.
Variant type: single nucleotide variant.
Coding change: c.10789T>C on transcript NM_138694.4 (MANE Select); coding-DNA position 10789, T replaced by C.
Protein change: p.Phe3597Leu; replaces phenylalanine 3597 with leucine.
Molecular consequence: missense variant.
Genome position (GRCh38, 1-based): chr6:51,659,337, A>G on the plus strand (T>C on the coding strand, the complement: PKHD1 is on the minus strand). VCF-style: chr6-51659337-A-G. GRCh37 (hg19) VCF-style: chr6-51524135-A-G.
Other names: short protein forms F3597L.
Identifiers: ClinVar variation 3032295 (VCV003032295.3), dbSNP rs1167943071, ClinGen allele CA364432135.